The following is an entry in ClinVar:

ClinVar aggregate classification (germline): Uncertain significance (1 of 4 stars; one submission).

Allele frequency attached by ClinVar (database versions not stated): TOPMed below 0.00001.
gnomAD v4.1: 1 of 1,552,052 alleles (0.000064%); no homozygotes.

Submission:

Labcorp Genetics (formerly Invitae), Labcorp
Classification: Uncertain significance. Last evaluated: 2021-12-06. Review status: criteria provided, single submitter. Criteria: Invitae Variant Classification Sherloc (09022015). Collection method: clinical testing. Allele origin: germline.
Comment: This variant is not present in population databases (gnomAD no frequency). This sequence change replaces leucine, which is neutral and non-polar, with methionine, which is neutral and non-polar, at codon 157 of the CPLANE1 protein (p.Leu157Met). This variant has not been reported in the literature in individuals affected with CPLANE1-related conditions. In summary, the available evidence is currently insufficient to determine the role of this variant in disease. Therefore, it has been classified as a Variant of Uncertain Significance. Advanced modeling of protein sequence and biophysical properties (such as structural, functional, and spatial information, amino acid conservation, physicochemical variation, residue mobility, and thermodynamic stability) performed at Invitae indicates that this missense variant is not expected to disrupt CPLANE1 protein function.

NM_001384732.1(CPLANE1):c.469T>A (p.Leu157Met)

Gene: CPLANE1 (ciliogenesis and planar polarity effector complex subunit 1; minus strand). Cytogenetic location: 5p13.2.
Variant type: single nucleotide variant.
Coding change: c.469T>A on transcript NM_001384732.1 (MANE Select); coding-DNA position 469, T replaced by A.
Protein change: p.Leu157Met; replaces leucine 157 with methionine.
Molecular consequence: missense variant.
Genome position (GRCh38, 1-based): chr5:37,244,476, A>T on the plus strand (T>A on the coding strand, the complement: CPLANE1 is on the minus strand). VCF-style: chr5-37244476-A-T. GRCh37 (hg19) VCF-style: chr5-37244578-A-T.
Other names: c.469T>A, p.Leu157Met (NM_023073.4); short protein forms L157M.
Identifiers: ClinVar variation 2107385 (VCV002107385.3), dbSNP rs1581053950, ClinGen allele CA359521613.